The following is an entry in ClinVar:

ClinVar aggregate classification (germline): Uncertain significance (1 of 4 stars; one submission).

Allele frequency attached by ClinVar (database versions not stated): ExAC 0.00001; gnomAD exomes 0.00001; gnomAD 0.00004 and 0.00005; TOPMed 0.00007.
gnomAD v4.1: 17 of 1,611,150 alleles (0.0011%); highest among the groups gnomAD compares: Admixed American, 0.005%; no homozygotes.

Submission:

GeneDx
Classification: Uncertain significance. Last evaluated: 2022-05-10. Review status: criteria provided, single submitter. Criteria: GeneDx Variant Classification Process June 2021. Collection method: clinical testing. Allele origin: germline. Affected: yes.
Comment: In silico analysis supports that this missense variant has a deleterious effect on protein structure/function; Has not been previously published as pathogenic or benign to our knowledge

NM_001145809.2(MYH14):c.1823C>T (p.Ala608Val)

Gene: MYH14 (myosin heavy chain 14; plus strand). Cytogenetic location: 19q13.33.
Variant type: single nucleotide variant.
Coding change: c.1823C>T on transcript NM_001145809.2 (MANE Select); coding-DNA position 1823, C replaced by T.
Protein change: p.Ala608Val; replaces alanine 608 with valine.
Molecular consequence: missense variant.
Genome position (GRCh38, 1-based): chr19:50,250,681, C>T. VCF-style: chr19-50250681-C-T. GRCh37 (hg19) VCF-style: chr19-50753938-C-T.
Other names: c.1823C>T, p.Ala608Val (NM_001077186.2); c.1799C>T, p.Ala600Val (NM_024729.4); short protein forms A600V, A608V.
Identifiers: ClinVar variation 1687632 (VCV001687632.2), dbSNP rs764094116, ClinGen allele CA9592717.